The following is an entry in ClinVar:

ClinVar aggregate classification (germline): Uncertain significance (1 of 4 stars; one submission).

Conditions:
CHARGE syndrome (CHARGE). Also called: Hittner Hirsch Kreh syndrome; CHARGE ASSOCIATION--COLOBOMA, HEART ANOMALY, CHOANAL ATRESIA, RETARDATION, GENITAL AND EAR ANOMALIES; Coloboma, heart anomaly, choanal atresia, retardation, genital and ear anomalies; CHARGE association; Hall-Hittner syndrome. Identifiers: Orphanet 138, MedGen C0265354, MONDO:0008965.

Submission:

Labcorp Genetics (formerly Invitae), Labcorp
Classification: Uncertain significance for CHARGE syndrome. Last evaluated: 2024-12-08. Review status: criteria provided, single submitter. Criteria: Invitae Variant Classification Sherloc (09022015). Collection method: clinical testing. Allele origin: germline.
Comment: This sequence change replaces methionine, which is neutral and non-polar, with isoleucine, which is neutral and non-polar, at codon 144 of the CHD7 protein (p.Met144Ile). This variant is not present in population databases (gnomAD no frequency). This variant has not been reported in the literature in individuals affected with CHD7-related conditions. Invitae Evidence Modeling of protein sequence and biophysical properties (such as structural, functional, and spatial information, amino acid conservation, physicochemical variation, residue mobility, and thermodynamic stability) indicates that this missense variant is not expected to disrupt CHD7 protein function with a negative predictive value of 95%. In summary, the available evidence is currently insufficient to determine the role of this variant in disease. Therefore, it has been classified as a Variant of Uncertain Significance.

NM_017780.4(CHD7):c.432G>A (p.Met144Ile)

Gene: CHD7 (chromodomain helicase DNA binding protein 7; plus strand). Cytogenetic location: 8q12.2.
Variant type: single nucleotide variant.
Coding change: c.432G>A on transcript NM_017780.4 (MANE Select); coding-DNA position 432, G replaced by A.
Protein change: p.Met144Ile; replaces methionine 144 with isoleucine.
Molecular consequence: missense variant.
Genome position (GRCh38, 1-based): chr8:60,741,864, G>A. VCF-style: chr8-60741864-G-A. GRCh37 (hg19) VCF-style: chr8-61654423-G-A.
Other names: c.432G>A, p.Met144Ile (NM_001316690.1); short protein forms M144I.
Identifiers: ClinVar variation 3615671 (VCV003615671.2).